The following is an entry in ClinVar:

NM_000218.3(KCNQ1):c.1873C>G (p.Pro625Ala)

Genes: KCNQ1 (potassium voltage-gated channel subfamily Q member 1; plus strand), KCNQ1-AS1 (KCNQ1 antisense RNA 1; minus strand). Cytogenetic location: 11p15.4.
Variant type: single nucleotide variant.
Coding change: c.1873C>G on transcript NM_000218.3 (MANE Select); coding-DNA position 1873, C replaced by G.
Protein change: p.Pro625Ala; replaces proline 625 with alanine.
Molecular consequence: missense variant.
Genome position (GRCh38, 1-based): chr11:2,847,845, C>G. VCF-style: chr11-2847845-C-G. GRCh37 (hg19) VCF-style: chr11-2869075-C-G.
Other names: c.1777C>G, p.Pro593Ala (NM_001406836.1); c.1603C>G, p.Pro535Ala (NM_001406837.1); c.1333C>G, p.Pro445Ala (NM_001406838.1); c.385C>G, p.Pro129Ala (NM_001406839.1); c.1492C>G, p.Pro498Ala (NM_181798.2); short protein forms P129A, P445A, P498A, P535A, P593A, P625A.
Identifiers: ClinVar variation 3386952 (VCV003386952.1).

ClinVar aggregate classification (germline): Uncertain significance (1 of 4 stars; one submission).

Conditions:
Long QT syndrome (LQTS). Identifiers: MedGen C0023976, MeSH D008133, MONDO:0002442. Disease mechanism: loss of function. Inheritance: Various modes of inheritance.

Submission:

All of Us Research Program, National Institutes of Health
Classification: Uncertain significance for Long QT syndrome. Last evaluated: 2024-04-16. Review status: criteria provided, single submitter. Criteria: ACMG Guidelines, 2015. Collection method: clinical testing. Allele origin: germline. Inheritance: Autosomal dominant inheritance. Observed: 1 variant allele, 1 heterozygote.
Comment: This missense variant replaces proline with alanine at codon 625 of the KCNQ1 protein. Computational prediction is inconclusive regarding the impact of this variant on protein structure and function (internally defined REVEL score threshold 0.5 < inconclusive < 0.7, PMID: 27666373). To our knowledge, functional studies have not been reported for this variant. This variant has not been reported in individuals affected with KCNQ1-related disorders in the literature. This variant has not been identified in the general population by the Genome Aggregation Database (gnomAD). The available evidence is insufficient to determine the role of this variant in disease conclusively. Therefore, this variant is classified as a Variant of Uncertain Significance.

This study involves interpretation of variants in research participants for the purpose of population health screening. Participant phenotype was not available at the time of variant classification. Additional details can be found in publication PMID: 35346344, PMCID: PMC8962531